The following is an entry in ClinVar:

NM_194248.3(OTOF):c.1800G>A (p.Ser600=)

Gene: OTOF (otoferlin; minus strand). Cytogenetic location: 2p23.3.
Variant type: single nucleotide variant.
Coding change: c.1800G>A on transcript NM_194248.3 (MANE Select); coding-DNA position 1800, G replaced by A.
Protein change: p.Ser600=; no amino-acid change (serine 600 retained).
Molecular consequence: synonymous variant.
Genome position (GRCh38, 1-based): chr2:26,480,789, C>T on the plus strand (G>A on the coding strand, the complement: OTOF is on the minus strand). VCF-style: chr2-26480789-C-T. GRCh37 (hg19) VCF-style: chr2-26703657-C-T.
Other names: c.1800G>A, p.Ser600= (NM_001287489.2).
Identifiers: ClinVar variation 48179 (VCV000048179.8), dbSNP rs397517936, ClinGen allele CA142764.

ClinVar aggregate classification (germline): Likely benign. Review status: criteria provided, multiple submitters, no conflicts (2 of 4 stars). 2 submissions from 2 submitters: Likely benign (2). Last evaluated 2025-06-22.

Allele frequency attached by ClinVar (database versions not stated): ExAC 0.00001; TOPMed 0.00005; gnomAD 0.00004; gnomAD exomes 0.00003.
gnomAD v4.1: 46 of 1,611,348 alleles (0.0029%); highest among the groups gnomAD compares: Middle Eastern, 0.018%; no homozygotes.

Submissions (2):

Labcorp Genetics (formerly Invitae), Labcorp
Classification: Likely benign. Last evaluated: 2025-06-22. Review status: criteria provided, single submitter. Criteria: Invitae Variant Classification Sherloc (09022015). Collection method: clinical testing. Allele origin: germline.

Laboratory for Molecular Medicine, Mass General Brigham Personalized Medicine
Classification: Likely benign. Last evaluated: 2012-06-26. Review status: criteria provided, single submitter. Criteria: LMM Criteria. Collection method: clinical testing. Allele origin: germline. Observed: 2 variant alleles.
Comment: Ser600Ser in exon 15 of OTOF: This variant is not expected to have clinical sign ificance because it does not alter an amino acid residue and is not located with in the splice consensus sequence.